The following is an entry in ClinVar:

NM_000807.4(GABRA2):c.857-2A>G

Gene: GABRA2 (gamma-aminobutyric acid type A receptor subunit alpha2; minus strand). Cytogenetic location: 4p12.
Variant type: single nucleotide variant.
Coding change: c.857-2A>G on transcript NM_000807.4 (MANE Select); the canonical splice acceptor site of the intron before coding-DNA position 857, A replaced by G.
Molecular consequence: splice acceptor variant.
Genome position (GRCh38, 1-based): chr4:46,262,130, T>C on the plus strand (A>G on the coding strand, the complement: GABRA2 is on the minus strand). VCF-style: chr4-46262130-T-C. GRCh37 (hg19) VCF-style: chr4-46264147-T-C.
Other names: c.692-2A>G (NM_001377154.1, NM_001377152.1, NM_001286827.3 and 1 more transcripts); c.857-2A>G (NM_001377146.1, NM_001377145.1, NM_001377144.1 and 8 more transcripts).
Identifiers: ClinVar variation 3663358 (VCV003663358.2).

ClinVar aggregate classification (germline): Uncertain significance (1 of 4 stars; one submission).

Submission:

Labcorp Genetics (formerly Invitae), Labcorp
Classification: Uncertain significance. Last evaluated: 2024-08-24. Review status: criteria provided, single submitter. Criteria: Invitae Variant Classification Sherloc (09022015). Collection method: clinical testing. Allele origin: germline.
Comment: This sequence change affects an acceptor splice site in intron 8 of the GABRA2 gene. It is expected to disrupt RNA splicing. Variants that disrupt the donor or acceptor splice site typically lead to a loss of protein function (PMID: 16199547), however the current clinical and genetic evidence is not sufficient to establish whether loss-of-function variants in GABRA2 cause disease. This variant is not present in population databases (gnomAD no frequency). This variant has not been reported in the literature in individuals affected with GABRA2-related conditions. Algorithms developed to predict the effect of sequence changes on RNA splicing suggest that this variant may disrupt the consensus splice site. In summary, the available evidence is currently insufficient to determine the role of this variant in disease. Therefore, it has been classified as a Variant of Uncertain Significance.

Literature cited by the submitters: PubMed 16199547.